The following is an entry in ClinVar:

ClinVar aggregate classification (germline): Conflicting classifications of pathogenicity. Review status: criteria provided, conflicting classifications (1 of 4 stars). 2 submissions from 2 submitters: Uncertain significance (1); Likely benign (1). Last evaluated 2025-12-29.

Conditions:
Hereditary cancer-predisposing syndrome. Also called: Neoplastic Syndromes, Hereditary; Tumor predisposition; Hereditary neoplastic syndrome; Hereditary Cancer Syndrome. Identifiers: Orphanet 140162, MedGen C0027672, MeSH D009386, MONDO:0015356.

Allele frequency attached by ClinVar (database versions not stated): ExAC 0.00001; gnomAD exomes 0.00001; TOPMed 0.00001; 1000 Genomes Project 30x 0.00016; 1000 Genomes Project 0.00020.
gnomAD v4.1: 6 of 1,613,448 alleles (0.00037%); highest among the groups gnomAD compares: East Asian, 0.0022%; no homozygotes.

Submissions (2):

Labcorp Genetics (formerly Invitae), Labcorp
Classification: Uncertain significance. Last evaluated: 2025-12-29. Review status: criteria provided, single submitter. Criteria: Invitae Variant Classification Sherloc (09022015). Collection method: clinical testing. Allele origin: germline.
Comment: This sequence change replaces isoleucine, which is neutral and non-polar, with valine, which is neutral and non-polar, at codon 1611 of the POLE protein (p.Ile1611Val). This variant is present in population databases (rs551368454, gnomAD 0.006%). This variant has not been reported in the literature in individuals affected with POLE-related conditions. ClinVar contains an entry for this variant (Variation ID: 643795). Invitae Evidence Modeling of protein sequence and biophysical properties (such as structural, functional, and spatial information, amino acid conservation, physicochemical variation, residue mobility, and thermodynamic stability) indicates that this missense variant is not expected to disrupt POLE protein function with a negative predictive value of 80%. In summary, the available evidence is currently insufficient to determine the role of this variant in disease. Therefore, it has been classified as a Variant of Uncertain Significance.

Ambry Genetics
Classification: Likely benign for Hereditary cancer-predisposing syndrome. Last evaluated: 2022-02-17. Review status: criteria provided, single submitter. Criteria: Ambry Variant Classification Scheme 2023. Collection method: clinical testing. Allele origin: germline.

NM_006231.4(POLE):c.4831A>G (p.Ile1611Val)

Gene: POLE (DNA polymerase epsilon, catalytic subunit; minus strand). Cytogenetic location: 12q24.33.
Variant type: single nucleotide variant.
Coding change: c.4831A>G on transcript NM_006231.4 (MANE Select); coding-DNA position 4831, A replaced by G.
Protein change: p.Ile1611Val; replaces isoleucine 1611 with valine.
Molecular consequence: missense variant.
Genome position (GRCh38, 1-based): chr12:132,642,627, T>C on the plus strand (A>G on the coding strand, the complement: POLE is on the minus strand). VCF-style: chr12-132642627-T-C. GRCh37 (hg19) VCF-style: chr12-133219213-T-C.
Other names: short protein forms I1611V.
Identifiers: ClinVar variation 643795 (VCV000643795.11), dbSNP rs551368454, ClinGen allele CA6892700.
Genomic context (GRCh38, chr12:132,642,627, plus strand): 5'-GCCGGGCTCCATGGCGCTGCCAGTCCAGGACCCCATAGTTGATCTTGTCAGCCACACAGA[T>C]AGGCACCAGTGGGAATTCCTCCAAGACAGGAATTTCACTGGCCAGCCTCTTCAGCTCCCA-3'
Protein context (NP_006222.2, residues 1601-1621): PVLEEFPLVP[Ile1611Val]CVADKINYGV